The following is an entry in ClinVar:

NM_001385641.1(SAMD11):c.2188G>A (p.Glu730Lys)

Gene: SAMD11 (sterile alpha motif domain containing 11; plus strand). Cytogenetic location: 1p36.33.
Variant type: single nucleotide variant.
Coding change: c.2188G>A on transcript NM_001385641.1 (MANE Select); coding-DNA position 2188, G replaced by A.
Protein change: p.Glu730Lys; replaces glutamic acid 730 with lysine.
Molecular consequence: missense variant.
Genome position (GRCh38, 1-based): chr1:943,707, G>A. VCF-style: chr1-943707-G-A. GRCh37 (hg19) VCF-style: chr1-879087-G-A.
Other names: c.2191G>A, p.Glu731Lys (NM_001385640.1); c.1699G>A, p.Glu567Lys (NM_152486.4); short protein forms E567K, E730K, E731K.
Identifiers: ClinVar variation 1365473 (VCV001365473.5), dbSNP rs764513253, ClinGen allele CA503242.
Genomic context (GRCh38, chr1:943,707, plus strand): 5'-GGAGGATGGAGCAGCACCCGGGTCCTGACCCTCCCTCCCTCCCCCTTCCAGGTCTTCAGG[G>A]AGCAGGGGATCGACGGGGAGACCCTGCCACTGCTGACGGAGGAGCACCTGCTGACCAACA-3'
Protein context (NP_001372570.1, residues 720-740): GCGEYTRVFR[Glu730Lys]QGIDGETLPL

ClinVar aggregate classification (germline): Uncertain significance (1 of 4 stars; one submission).

Allele frequency attached by ClinVar (database versions not stated): gnomAD exomes below 0.00001 and 0.00001; ExAC 0.00002; gnomAD 0.00002.
gnomAD v4.1: 15 of 1,584,990 alleles (0.00095%); highest among the groups gnomAD compares: Middle Eastern, 0.022%; no homozygotes.

Submission:

Labcorp Genetics (formerly Invitae), Labcorp
Classification: Uncertain significance. Last evaluated: 2024-02-24. Review status: criteria provided, single submitter. Criteria: Invitae Variant Classification Sherloc (09022015). Collection method: clinical testing. Allele origin: germline.
Comment: This sequence change replaces glutamic acid, which is acidic and polar, with lysine, which is basic and polar, at codon 567 of the SAMD11 protein (p.Glu567Lys). This variant is present in population databases (rs764513253, gnomAD 0.004%). This variant has not been reported in the literature in individuals affected with SAMD11-related conditions. ClinVar contains an entry for this variant (Variation ID: 1365473). An algorithm developed to predict the effect of missense changes on protein structure and function (PolyPhen-2) suggests that this variant is likely to be disruptive. In summary, the available evidence is currently insufficient to determine the role of this variant in disease. Therefore, it has been classified as a Variant of Uncertain Significance.